The following is an entry in ClinVar:

NM_004839.4(HOMER2):c.650A>C (p.Lys217Thr)

Gene: HOMER2 (homer scaffold protein 2; minus strand). Cytogenetic location: 15q25.2.
Variant type: single nucleotide variant.
Coding change: c.650A>C on transcript NM_004839.4 (MANE Select); coding-DNA position 650, A replaced by C.
Protein change: p.Lys217Thr; replaces lysine 217 with threonine.
Molecular consequence: missense variant.
Genome position (GRCh38, 1-based): chr15:82,854,645, T>G on the plus strand (A>C on the coding strand, the complement: HOMER2 is on the minus strand). VCF-style: chr15-82854645-T-G. GRCh37 (hg19) VCF-style: chr15-83523397-T-G.
Other names: c.683A>C, p.Lys228Thr (NM_199330.3); short protein forms K228T, K217T.
Identifiers: ClinVar variation 3106470 (VCV003106470.4), dbSNP rs775515730, ClinGen allele CA7702070.

ClinVar aggregate classification (germline): Uncertain significance. Review status: criteria provided, multiple submitters, no conflicts (2 of 4 stars). 3 submissions from 3 submitters: Uncertain significance (3). Last evaluated 2024-07-31.

Conditions:
Inborn genetic diseases. Identifiers: MedGen C0950123, MeSH D030342.

Allele frequency attached by ClinVar (database versions not stated): ExAC 0.00003; gnomAD exomes 0.00003.
gnomAD v4.1: 44 of 1,611,484 alleles (0.0027%); highest among the groups gnomAD compares: Admixed American, 0.027%; no homozygotes.

Submissions (3):

Labcorp Genetics (formerly Invitae), Labcorp
Classification: Uncertain significance. Last evaluated: 2024-07-31. Review status: criteria provided, single submitter. Criteria: Invitae Variant Classification Sherloc (09022015). Collection method: clinical testing. Allele origin: germline.
Comment: This sequence change replaces lysine, which is basic and polar, with threonine, which is neutral and polar, at codon 217 of the HOMER2 protein (p.Lys217Thr). This variant is present in population databases (rs775515730, gnomAD 0.02%). This variant has not been reported in the literature in individuals affected with HOMER2-related conditions. An algorithm developed to predict the effect of missense changes on protein structure and function (PolyPhen-2) suggests that this variant is likely to be tolerated. In summary, the available evidence is currently insufficient to determine the role of this variant in disease. Therefore, it has been classified as a Variant of Uncertain Significance.

GeneDx
Classification: Uncertain significance. Last evaluated: 2024-06-24. Review status: criteria provided, single submitter. Criteria: GeneDx Variant Classification Process June 2021. Collection method: clinical testing. Allele origin: germline.
Comment: In silico analysis supports that this missense variant has a deleterious effect on protein structure/function; Has not been previously published as pathogenic or benign to our knowledge; Variants in candidate genes are classified as variants of uncertain significance in accordance with ACMG guidelines (PMID: 25741868)

Ambry Genetics
Classification: Uncertain significance for Inborn genetic diseases. Last evaluated: 2024-01-16. Review status: criteria provided, single submitter. Criteria: Ambry Variant Classification Scheme 2023. Collection method: clinical testing. Allele origin: germline.